The following is an entry in ClinVar:

ClinVar aggregate classification (germline): Pathogenic. Review status: criteria provided, multiple submitters, no conflicts (2 of 4 stars). 5 submissions from 4 submitters: Pathogenic (2). 3 of the submissions do not count toward it. Last evaluated 2024-09-24.

Conditions:
Rett syndrome (RTT). Also called: Rett's disorder; AUTISM, DEMENTIA, ATAXIA, AND LOSS OF PURPOSEFUL HAND USE. Identifiers: Orphanet 3095, Orphanet 778, MedGen C0035372, MONDO:0010726, OMIM 312750.
Developmental and epileptic encephalopathy, 2 (DEE2). Also called: INFANTILE SPASM SYNDROME, X-LINKED 2; CDKL5 deficiency disorder. Identifiers: Orphanet 1934, Orphanet 3451, Orphanet 505652, MedGen C4750718, MONDO:0010396, OMIM 300672.

Submissions (5):

Centre for Population Genomics, CPG
Classification: Pathogenic for Rett syndrome. Last evaluated: 2024-09-24. Review status: criteria provided, single submitter. Criteria: McKnight et al. (Hum Mutat. 2022). Collection method: curation. Allele origin: germline. Inheritance: X-linked inheritance.
Comment: This variant has been collected from RettBASE and curated to current modified ACMG/AMP criteria. Based on the classification scheme defined by the ClinGen Rett/Angelman-like Expert Panel for Rett/AS-like Disorders Specifications to the ACMG/AMP Variant Interpretation Guidelines VCEP 3.0, this variant is classified as pathogenic. At least the following criteria are met: Predicted to result in loss of function, and LOF is a known mechanism of disease (PVS1). This variant is absent from gnomAD v4 (PM2_Supporting). Has been observed in at least 2 individuals with phenotypes consistent with CDKL5 disorder (PS4_Supporting).

GeneDx
Classification: Pathogenic. Last evaluated: 2020-01-02. Review status: criteria provided, single submitter. Criteria: GeneDx Variant Classification Process June 2021. Collection method: clinical testing. Allele origin: germline. Affected: yes.
Comment: Canonical splice site variant predicted to result in an in-frame deletion of a critical region; Deletions involving coding exons in this gene are frequently reported as pathogenic, regardless of frame prediction (Stenson et al., 2014); Not observed in large population cohorts (Lek et al., 2016); This variant is associated with the following publications: (PMID: 27081548, 23064044, 22670135, 19793311, 16611748, 25525159)

RettBASE
Classification: Pathogenic for Epileptic encephalopathy, early infantile, 2. Last evaluated: 2014-03-13. Review status: no assertion criteria provided. Collection method: curation. Allele origin: unknown. Affected: yes. Observed: 1 variant allele. Not counted in ClinVar's aggregate classification.
Comment: Predicted to cause exon 7 skipping

OMIM
Classification: Pathogenic for DEVELOPMENTAL AND EPILEPTIC ENCEPHALOPATHY 2. Last evaluated: 2006-09-01. Review status: no assertion criteria provided. Collection method: literature only. Allele origin: germline. Not counted in ClinVar's aggregate classification.

RettBASE
No classification provided. Review status: flagged submission. Collection method: not provided. Allele origin: not provided. Not counted in ClinVar's aggregate classification.
ClinVar note: Reason: This record appears to be redundant with a more recent record from the same submitter.
ClinVar note: Notes: SCV000189211 appears to be redundant with SCV000222350.

Literature cited by the submitters: PubMed 16611748 (cited by RettBASE and OMIM).

NM_001323289.2(CDKL5):c.404-1G>T

Gene: CDKL5 (cyclin dependent kinase like 5; plus strand). Cytogenetic location: Xp22.13.
Variant type: single nucleotide variant.
Coding change: c.404-1G>T on transcript NM_001323289.2 (MANE Select); the canonical splice acceptor site of the intron before coding-DNA position 404, G replaced by T.
Molecular consequence: splice acceptor variant.
Genome position (GRCh38, 1-based): chrX:18,581,890, G>T. VCF-style: chrX-18581890-G-T. GRCh37 (hg19) VCF-style: chrX-18600010-G-T.
Other names: IVS6AS, G-T, -1; c.404-1G>T (NM_003159.3, NM_001037343.2).
Identifiers: ClinVar variation 156087 (VCV000156087.7), dbSNP rs267608474, ClinGen allele CA199401.